The following is an entry in ClinVar:

ClinVar aggregate classification (germline): Pathogenic (1 of 4 stars; one submission).

Submission:

Labcorp Genetics (formerly Invitae), Labcorp
Classification: Pathogenic. Last evaluated: 2023-07-20. Review status: criteria provided, single submitter. Criteria: Invitae Variant Classification Sherloc (09022015). Collection method: clinical testing. Allele origin: germline.
Comment: For these reasons, this variant has been classified as Pathogenic. Algorithms developed to predict the effect of sequence changes on RNA splicing suggest that this variant may disrupt the consensus splice site. ClinVar contains an entry for this variant (Variation ID: 2179973). This variant has not been reported in the literature in individuals affected with MAK-related conditions. This variant is not present in population databases (gnomAD no frequency). This sequence change creates a premature translational stop signal (p.Gln342*) in the MAK gene. It is expected to result in an absent or disrupted protein product. Loss-of-function variants in MAK are known to be pathogenic (PMID: 21148103, 21825139, 24938718, 29781741).

Literature cited by the submitters: PubMed 21148103; PubMed 21825139; PubMed 24938718; PubMed 29781741.

NM_001242957.3(MAK):c.1024C>T (p.Gln342Ter)

Gene: MAK (male germ cell associated kinase; minus strand). Cytogenetic location: 6p24.2.
Variant type: single nucleotide variant.
Coding change: c.1024C>T on transcript NM_001242957.3 (MANE Select); coding-DNA position 1024, C replaced by T.
Protein change: p.Gln342Ter; replaces glutamine 342 with a stop codon.
Molecular consequence: nonsense. On other transcripts: non-coding transcript variant (2).
Genome position (GRCh38, 1-based): chr6:10,796,117, G>A on the plus strand (C>T on the coding strand, the complement: MAK is on the minus strand). VCF-style: chr6-10796117-G-A. GRCh37 (hg19) VCF-style: chr6-10796350-G-A.
Other names: c.1024C>T, p.Gln342Ter (NM_001242385.2, NM_005906.6); c.922C>T, p.Gln308Ter (NM_001377262.1); short protein forms Q308*, Q342*.
Identifiers: ClinVar variation 2179973 (VCV002179973.4), dbSNP rs769859243, ClinGen allele CA362719525.